The following is an entry in ClinVar:

NM_000218.3(KCNQ1):c.1514+7449A>G

Genes: KCNQ1 (potassium voltage-gated channel subfamily Q member 1; plus strand), KCNQ1OT1 (KCNQ1 opposite strand/antisense transcript 1; minus strand). Cytogenetic location: 11p15.5.
Variant type: single nucleotide variant.
Coding change: c.1514+7449A>G on transcript NM_000218.3 (MANE Select); 7449 bases into the intron after coding-DNA position 1514, A replaced by G.
Molecular consequence: intron variant. On other transcripts: non-coding transcript variant (1).
Genome position (GRCh38, 1-based): chr11:2,669,530, A>G. VCF-style: chr11-2669530-A-G. GRCh37 (hg19) VCF-style: chr11-2690760-A-G.
Other names: c.1244+7449A>G (NM_001406837.1); c.1418+7449A>G (NM_001406836.1); c.974+7449A>G (NM_001406838.1); c.1133+7449A>G (NM_181798.2).
Identifiers: ClinVar variation 4534518 (VCV004534518.6).

ClinVar aggregate classification (germline): Benign (1 of 4 stars; one submission).

gnomAD v4.1: 101 of 398,640 alleles (0.025%); highest among the groups gnomAD compares: South Asian, 0.83%; no homozygotes.

Submission:

CeGaT Center for Human Genetics Tuebingen
Classification: Benign. Last evaluated: 2026-01-01. Review status: criteria provided, single submitter. Criteria: CeGaT Center For Human Genetics Tuebingen Variant Classification Criteria Version 2. Collection method: clinical testing. Allele origin: germline. Affected: yes. Observed: 2 variant alleles.
Comment: KCNQ1OT1: BS1, BS2